The following is an entry in ClinVar:

ClinVar aggregate classification (germline): Likely benign (1 of 4 stars; one submission).

Allele frequency attached by ClinVar (database versions not stated): gnomAD 0.00001; gnomAD exomes 0.00001; TOPMed 0.00001; ExAC 0.00004.
gnomAD v4.1: 12 of 1,207,118 alleles (0.00099%); highest among the groups gnomAD compares: Non-Finnish European, 0.0013%; no homozygotes.

Submission:

CeGaT Center for Human Genetics Tuebingen
Classification: Likely benign. Last evaluated: 2024-01-01. Review status: criteria provided, single submitter. Criteria: CeGaT Center For Human Genetics Tuebingen Variant Classification Criteria Version 2. Collection method: clinical testing. Allele origin: germline. Affected: yes. Observed: 1 variant allele.
Comment: FGD1: BP4, BS2

NM_004463.3(FGD1):c.1498-6T>C

Gene: FGD1 (FYVE, RhoGEF and PH domain containing 1; minus strand). Cytogenetic location: Xp11.22.
Variant type: single nucleotide variant.
Coding change: c.1498-6T>C on transcript NM_004463.3 (MANE Select); 6 bases into the intron before coding-DNA position 1498, T replaced by C.
Molecular consequence: intron variant.
Genome position (GRCh38, 1-based): chrX:54,465,595, A>G on the plus strand (T>C on the coding strand, the complement: FGD1 is on the minus strand). VCF-style: chrX-54465595-A-G. GRCh37 (hg19) VCF-style: chrX-54492028-A-G.
Identifiers: ClinVar variation 3025975 (VCV003025975.22), dbSNP rs752927196, ClinGen allele CA10425088.